The following is an entry in ClinVar:

ClinVar aggregate classification (germline): Pathogenic/Likely pathogenic. Review status: criteria provided, multiple submitters, no conflicts (2 of 4 stars). 7 submissions from 7 submitters: Pathogenic (4); Likely pathogenic (3). Last evaluated 2026-06-03.

Conditions:
Malan overgrowth syndrome (MALNS). Also called: MALAN SYNDROME; NFIX-Related Malan Syndrome; Sotos syndrome 2. Identifiers: Orphanet 420179, MedGen C3553660, MONDO:0013885, OMIM 614753.
Inborn genetic diseases. Identifiers: MedGen C0950123, MeSH D030342.
Marshall-Smith syndrome (MRSHSS). Identifiers: Orphanet 561, MedGen C0265211, MONDO:0011244, OMIM 602535.

Submissions (7):

Joint Genome Diagnostic Labs from Nijmegen and Maastricht, Radboudumc and MUMC+
Classification: Pathogenic for Malan overgrowth syndrome. Last evaluated: 2026-06-03. Review status: criteria provided, single submitter. Criteria: ACMG Guidelines, 2015. Collection method: clinical testing. Allele origin: de novo. Inheritance: Autosomal dominant inheritance. Affected: yes.

Labcorp Genetics (formerly Invitae), Labcorp
Classification: Pathogenic for Malan overgrowth syndrome; Marshall-Smith syndrome. Last evaluated: 2025-08-21. Review status: criteria provided, single submitter. Criteria: Invitae Variant Classification Sherloc (09022015). Collection method: clinical testing. Allele origin: germline.
Comment: This sequence change replaces methionine, which is neutral and non-polar, with lysine, which is basic and polar, at codon 56 of the NFIX protein (p.Met56Lys). This variant is not present in population databases (gnomAD no frequency). This missense change has been observed in individual(s) with clinical features of Sotos-like syndrome and/or NFIX-related conditions (PMID: 33057194, 33288889, 35717370, 35982159; internal data). In at least one individual the variant was observed to be de novo. This variant is also known as c.143T>A p.(Met48Lys). ClinVar contains an entry for this variant (Variation ID: 452926). Experimental studies and prediction algorithms are not available or were not evaluated, and the functional significance of this variant is currently unknown. For these reasons, this variant has been classified as Pathogenic.

Ambry Genetics
Classification: Pathogenic for Inborn genetic diseases. Last evaluated: 2025-06-20. Review status: criteria provided, single submitter. Criteria: Ambry Variant Classification Scheme 2023. Collection method: clinical testing. Allele origin: germline.
Comment: The c.143T>A (p.M48K) alteration is located in exon 2 (coding exon 2) of the NFIX gene. This alteration results from a T to A substitution at nucleotide position 143, causing the methionine (M) at amino acid position 48 to be replaced by a lysine (K). ; however, its clinical significance for autosomal dominant Marshall-Smith syndrome is uncertain. This variant was not reported in population-based cohorts in the Genome Aggregation Database (gnomAD). This variant was reported in individual(s) with features consistent with Malan overgrowth syndrome; in at least one individual, it was determined to be de novo (T&oslash;nne, 2021; Macchiaiolo, 2022; Timberlake, 2022). This amino acid position is highly conserved in available vertebrate species. This alteration is predicted to be deleterious by in silico analysis. Based on the available evidence, this alteration is classified as pathogenic.

GeneDx
Classification: Pathogenic. Last evaluated: 2024-10-30. Review status: criteria provided, single submitter. Criteria: GeneDx Variant Classification Process June 2021. Collection method: clinical testing. Allele origin: germline. Affected: yes.
Comment: Not observed at significant frequency in large population cohorts (gnomAD); In silico analysis supports that this missense variant has a deleterious effect on protein structure/function; This variant is associated with the following publications: (PMID: 33288889, 35717370)

Institute of Immunology and Genetics Kaiserslautern
Classification: Likely pathogenic for Malan overgrowth syndrome. Last evaluated: 2024-02-06. Review status: criteria provided, single submitter. Criteria: ACMG Guidelines, 2015. Collection method: clinical testing. Allele origin: de novo. Affected: yes.
Comment: ACMG Criteria: PM2_P, PS2, PP5; Variant was found in a heterozygous state. De novo-status was confirmed via in-house segregation analysis.

Illumina Laboratory Services, Illumina
Classification: Likely pathogenic for Malan overgrowth syndrome. Last evaluated: 2019-02-06. Review status: criteria provided, single submitter. Criteria: ICSLVariantClassificationCriteria RUGD 01 April 2020. Collection method: clinical testing. Allele origin: unknown.
Comment: The NFIX c.167T>A (p.Met56Lys) variant, which corresponds to c.143T>A (p.Met48Lys) in transcript NM_002501.2, is a missense variant. A literature search was performed for the gene, cDNA change, and amino acid change. No publications were found through this search. The p.Met56Lys variant is not reported in the Genome Aggregation Database in a region of good sequence coverage, so the variant is presumed to be rare. This variant is found in the DNA binding and dimerization domain, where almost all pathogenic missense variants have been reported to date (Priolo et al. 2018). However, functional studies have not been conducted. Based on its rarity, location, and de novo occurrence, the p.Met56Lys variant is classified as likely pathogenic for Malan syndrome.

Department of Medical Genetics, Oslo University Hospital
Classification: Likely pathogenic for Malan overgrowth syndrome. Review status: criteria provided, single submitter. Criteria: ACMG Guidelines, 2015. Collection method: clinical testing. Allele origin: de novo. Affected: yes. Observed: 1 variant allele, 1 heterozygote.

Literature cited by the submitters: PubMed 33057194 (cited by Labcorp Genetics (formerly Invitae), Labcorp); PubMed 33288889 (cited by Labcorp Genetics (formerly Invitae), Labcorp and Ambry Genetics); PubMed 35717370 (cited by Labcorp Genetics (formerly Invitae), Labcorp and Ambry Genetics); PubMed 35982159 (cited by Labcorp Genetics (formerly Invitae), Labcorp); PubMed 35997807 (cited by Ambry Genetics); PubMed 29897170 (cited by Illumina Laboratory Services, Illumina).

NM_001365902.3(NFIX):c.143T>A (p.Met48Lys)

Gene: NFIX (nuclear factor I X; plus strand). Cytogenetic location: 19p13.13.
Variant type: single nucleotide variant.
Coding change: c.143T>A on transcript NM_001365902.3 (MANE Select); coding-DNA position 143, T replaced by A.
Protein change: p.Met48Lys; replaces methionine 48 with lysine.
Molecular consequence: missense variant. On other transcripts: initiator codon variant (1).
Genome position (GRCh38, 1-based): chr19:13,025,136, T>A. VCF-style: chr19-13025136-T-A. GRCh37 (hg19) VCF-style: chr19-13135950-T-A.
Other names: c.167T>A, p.Met56Lys (NM_001271043.2); c.143T>A (NM_002501.2); c.119T>A, p.Met40Lys (NM_001271044.3, NM_001378404.1); c.143T>A, p.Met48Lys (NM_001365982.2, NM_002501.4); c.2T>A, p.Met1Lys (NM_001365983.2); c.140T>A, p.Met47Lys (NM_001365984.2, NM_001365985.2); c.191T>A, p.Met64Lys (NM_001378405.1); short protein forms M48K, M56K, M47K, M1K, M40K, M64K.
Identifiers: ClinVar variation 452926 (VCV000452926.16), dbSNP rs1555696484, ClinGen allele CA404313335.